The following is an entry in ClinVar:

ClinVar aggregate classification (germline): Conflicting classifications of pathogenicity. Review status: criteria provided, conflicting classifications (1 of 4 stars). 2 submissions from 2 submitters: Likely pathogenic (1); Uncertain significance (1). Last evaluated 2023-04-11.

Conditions:
Inborn genetic diseases. Identifiers: MedGen C0950123, MeSH D030342.

Submissions (2):

Ambry Genetics
Classification: Likely pathogenic for Inborn genetic diseases. Last evaluated: 2023-04-11. Review status: criteria provided, single submitter. Criteria: Ambry Variant Classification Scheme 2023. Collection method: clinical testing. Allele origin: germline.
Comment: The c.2284G>A (p.G762S) alteration is located in exon 16 (coding exon 16) of the ATP1A2 gene. This alteration results from a G to A substitution at nucleotide position 2284, causing the glycine (G) at amino acid position 762 to be replaced by a serine (S). This variant is expected to be causative of ATP1A2-related neurologic disorders; however, its clinical significance for ATP1A2-related fetal akinesia, respiratory insufficiency, microcephaly, polymicrogyria, and dysmorphic facies is unclear. This variant was not reported in population-based cohorts in the Genome Aggregation Database (gnomAD). This variant has been identified in the heterozygous state in multiple affected relatives with familial hemiplegic migraine (Tang, 2019). This nucleotide position and amino acid position are highly conserved in available vertebrate species. This missense alteration is located in a region that has a low rate of benign missense variation (Lek, 2016; Firth, 2009). Functional studies suggest cell viability and ATPase activity are reduced; however, additional evidence is needed to confirm these findings (Tang, 2019; Li, 2021). In silico splice site analysis for this nucleotide change is inconclusive. This missense alteration is predicted to be deleterious by in silico analysis. Based on the available evidence, this alteration is classified as likely pathogenic.

Athena Diagnostics
Classification: Uncertain significance. Last evaluated: 2016-11-18. Review status: criteria provided, single submitter. Criteria: Athena Diagnostics Criteria. Collection method: clinical testing. Allele origin: germline.

Literature cited by the submitters: PubMed 31053037 (cited by Ambry Genetics); PubMed 34384358 (cited by Ambry Genetics).

NM_000702.4(ATP1A2):c.2284G>A (p.Gly762Ser)

Gene: ATP1A2 (ATPase Na+/K+ transporting subunit alpha 2; plus strand). Cytogenetic location: 1q23.2.
Variant type: single nucleotide variant.
Coding change: c.2284G>A on transcript NM_000702.4 (MANE Select); coding-DNA position 2284, G replaced by A.
Protein change: p.Gly762Ser; replaces glycine 762 with serine.
Molecular consequence: missense variant.
Genome position (GRCh38, 1-based): chr1:160,135,602, G>A. VCF-style: chr1-160135602-G-A. GRCh37 (hg19) VCF-style: chr1-160105392-G-A.
Other names: short protein forms G762S.
Identifiers: ClinVar variation 446870 (VCV000446870.3), dbSNP rs1553245780, ClinGen allele CA343249708.
Genomic context (GRCh38, chr1:160,135,602, plus strand): 5'-GCAGCCGACATGATCCTGCTGGATGACAACTTTGCCTCCATCGTCACGGGGGTGGAGGAG[G>A]GTGAGGAGGCTGCATGGGTTGGGATGGTTTGCAGGATACTGAAGCCGGCACCTCTGTTCC-3'
Protein context (NP_000693.1, residues 752-772): FASIVTGVEE[Gly762Ser]RLIFDNLKKS